The following is an entry in ClinVar:

NM_001382567.1(STIM1):c.974G>T (p.Arg325Leu)

Gene: STIM1 (stromal interaction molecule 1; plus strand). Cytogenetic location: 11p15.4.
Variant type: single nucleotide variant.
Coding change: c.974G>T on transcript NM_001382567.1 (MANE Select); coding-DNA position 974, G replaced by T.
Protein change: p.Arg325Leu; replaces arginine 325 with leucine.
Molecular consequence: missense variant. On other transcripts: non-coding transcript variant (2).
Genome position (GRCh38, 1-based): chr11:4,082,188, G>T. VCF-style: chr11-4082188-G-T. GRCh37 (hg19) VCF-style: chr11-4103418-G-T.
Other names: c.974G>T, p.Arg325Leu (NM_001277961.3, NM_001277962.2, NM_001382568.1 and 1 more transcripts); c.752G>T, p.Arg251Leu (NM_001382566.1, NM_001382573.1, NM_001382575.1 and 4 more transcripts); c.839G>T, p.Arg280Leu (NM_001382569.1); c.746G>T, p.Arg249Leu (NM_001382570.1); c.494G>T, p.Arg165Leu (NM_001382571.1); c.485G>T, p.Arg162Leu (NM_001382580.1, NM_001382581.1); short protein forms R162L, R165L, R249L, R251L, R280L, R325L.
Identifiers: ClinVar variation 1485038 (VCV001485038.8), dbSNP rs746960459, ClinGen allele CA5830373.

ClinVar aggregate classification (germline): Uncertain significance (1 of 4 stars; one submission).

Conditions:
Stormorken syndrome (STRMK). Also called: THROMBOCYTOPATHY, ASPLENIA, AND MIOSIS. Identifiers: Orphanet 3204, MedGen C1861451, MONDO:0008497, OMIM 185070.
Combined immunodeficiency due to STIM1 deficiency. Also called: STIM1 DEFICIENCY; IMMUNODEFICIENCY 10. Identifiers: Orphanet 169090, Orphanet 317430, MedGen C2748557, MONDO:0013008, OMIM 612783.
Myopathy with tubular aggregates (TAM). Also called: Tubular Aggregate Myopathy. Identifiers: Orphanet 2593, MedGen C0410207, MONDO:0008051.

gnomAD v4.1: 3 of 1,614,008 alleles (0.00019%); highest among the groups gnomAD compares: South Asian, 0.0022%; no homozygotes.

Submission:

Labcorp Genetics (formerly Invitae), Labcorp
Classification: Uncertain significance for Myopathy with tubular aggregates; Combined immunodeficiency due to STIM1 deficiency; Stormorken syndrome. Last evaluated: 2025-12-10. Review status: criteria provided, single submitter. Criteria: Invitae Variant Classification Sherloc (09022015). Collection method: clinical testing. Allele origin: germline.
Comment: This sequence change replaces arginine, which is basic and polar, with leucine, which is neutral and non-polar, at codon 325 of the STIM1 protein (p.Arg325Leu). This variant is present in population databases (rs746960459, gnomAD 0.006%). This variant has not been reported in the literature in individuals affected with STIM1-related conditions. ClinVar contains an entry for this variant (Variation ID: 1485038). Invitae Evidence Modeling of protein sequence and biophysical properties (such as structural, functional, and spatial information, amino acid conservation, physicochemical variation, residue mobility, and thermodynamic stability) has been performed for this missense variant. However, the output from this modeling did not meet the statistical confidence thresholds required to predict the impact of this variant on STIM1 protein function. In summary, the available evidence is currently insufficient to determine the role of this variant in disease. Therefore, it has been classified as a Variant of Uncertain Significance.